The following is an entry in ClinVar:

ClinVar aggregate classification (germline): Uncertain significance (1 of 4 stars; one submission).

gnomAD v4.1: 21 of 1,613,748 alleles (0.0013%); highest among the groups gnomAD compares: Non-Finnish European, 0.0015%; no homozygotes.

Submission:

Labcorp Genetics (formerly Invitae), Labcorp
Classification: Uncertain significance. Last evaluated: 2025-07-01. Review status: criteria provided, single submitter. Criteria: Invitae Variant Classification Sherloc (09022015). Collection method: clinical testing. Allele origin: germline.
Comment: This sequence change replaces glutamine, which is neutral and polar, with histidine, which is basic and polar, at codon 1036 of the ABL1 protein (p.Gln1036His). This variant is present in population databases (rs748013592, gnomAD 0.003%). This variant has not been reported in the literature in individuals affected with ABL1-related conditions. An algorithm developed to predict the effect of missense changes on protein structure and function (PolyPhen-2) suggests that this variant is likely to be disruptive. In summary, the available evidence is currently insufficient to determine the role of this variant in disease. Therefore, it has been classified as a Variant of Uncertain Significance.

NM_005157.6(ABL1):c.3051G>C (p.Gln1017His)

Gene: ABL1 (ABL proto-oncogene 1, non-receptor tyrosine kinase; plus strand). Cytogenetic location: 9q34.12.
Variant type: single nucleotide variant.
Coding change: c.3051G>C on transcript NM_005157.6 (MANE Select); coding-DNA position 3051, G replaced by C.
Protein change: p.Gln1017His; replaces glutamine 1017 with histidine.
Molecular consequence: missense variant.
Genome position (GRCh38, 1-based): chr9:130,885,341, G>C. VCF-style: chr9-130885341-G-C. GRCh37 (hg19) VCF-style: chr9-133760728-G-C.
Other names: c.3108G>C, p.Gln1036His (NM_007313.3); short protein forms Q1017H, Q1036H.
Identifiers: ClinVar variation 4765663 (VCV004765663.1).